The following is an entry in ClinVar:

ClinVar aggregate classification (germline): Uncertain significance (1 of 4 stars; one submission).

Conditions:
Hereditary cancer-predisposing syndrome. Also called: Tumor predisposition; Hereditary neoplastic syndrome; Hereditary Cancer Syndrome; Neoplastic Syndromes, Hereditary. Identifiers: Orphanet 140162, MedGen C0027672, MeSH D009386, MONDO:0015356.

Submission:

Ambry Genetics
Classification: Uncertain significance for Hereditary cancer-predisposing syndrome. Last evaluated: 2025-03-15. Review status: criteria provided, single submitter. Criteria: Ambry Variant Classification Scheme 2023. Collection method: clinical testing. Allele origin: germline.
Comment: The p.E726K variant (also known as c.2176G>A), located in coding exon 15 of the PDGFRA gene, results from a G to A substitution at nucleotide position 2176. The glutamic acid at codon 726 is replaced by lysine, an amino acid with similar properties. This amino acid position is conserved. In addition, this alteration is predicted to be deleterious by in silico analysis. Based on the available evidence, the clinical significance of this variant remains unclear.

NM_006206.6(PDGFRA):c.2176G>A (p.Glu726Lys)

Gene: PDGFRA (platelet derived growth factor receptor alpha; plus strand). Cytogenetic location: 4q12.
Variant type: single nucleotide variant.
Coding change: c.2176G>A on transcript NM_006206.6 (MANE Select); coding-DNA position 2176, G replaced by A.
Protein change: p.Glu726Lys; replaces glutamic acid 726 with lysine.
Molecular consequence: missense variant.
Genome position (GRCh38, 1-based): chr4:54,280,335, G>A. VCF-style: chr4-54280335-G-A. GRCh37 (hg19) VCF-style: chr4-55146502-G-A.
Other names: c.2176G>A, p.Glu726Lys (NM_001347827.2, NM_001347829.2); c.2251G>A, p.Glu751Lys (NM_001347828.2); c.2215G>A, p.Glu739Lys (NM_001347830.2); short protein forms E751K, E726K, E739K.
Identifiers: ClinVar variation 3930176 (VCV003930176.1).